The following is an entry in ClinVar:

ClinVar aggregate classification (germline): Likely benign. Review status: criteria provided, multiple submitters, no conflicts (2 of 4 stars). 2 submissions from 2 submitters: Likely benign (2). Last evaluated 2026-04-01.

Allele frequency attached by ClinVar (database versions not stated): TOPMed below 0.00001; gnomAD 0.00001.
gnomAD v4.1: 13 of 1,613,964 alleles (0.00081%); highest among the groups gnomAD compares: Non-Finnish European, 0.0011%; no homozygotes.

Submissions (2):

CeGaT Center for Human Genetics Tuebingen
Classification: Likely benign. Last evaluated: 2026-04-01. Review status: criteria provided, single submitter. Criteria: CeGaT Center For Human Genetics Tuebingen Variant Classification Criteria Version 2. Collection method: clinical testing. Allele origin: germline. Affected: yes. Observed: 1 variant allele.
Comment: FAT4: BP4, BP7

Labcorp Genetics (formerly Invitae), Labcorp
Classification: Likely benign. Last evaluated: 2024-07-21. Review status: criteria provided, single submitter. Criteria: Invitae Variant Classification Sherloc (09022015). Collection method: clinical testing. Allele origin: germline.

NM_001291303.3(FAT4):c.10443A>G (p.Ser3481=)

Gene: FAT4 (FAT atypical cadherin 4; plus strand). Cytogenetic location: 4q28.1.
Variant type: single nucleotide variant.
Coding change: c.10443A>G on transcript NM_001291303.3 (MANE Select); coding-DNA position 10443, A replaced by G.
Protein change: p.Ser3481=; no amino-acid change (serine 3481 retained).
Molecular consequence: synonymous variant.
Genome position (GRCh38, 1-based): chr4:125,451,453, A>G. VCF-style: chr4-125451453-A-G. GRCh37 (hg19) VCF-style: chr4-126372608-A-G.
Other names: c.10443A>G, p.Ser3481= (NM_001291285.3); c.10437A>G, p.Ser3479= (NM_024582.6).
Identifiers: ClinVar variation 2881679 (VCV002881679.5), dbSNP rs1379802480, ClinGen allele CA441371965.
Genomic context (GRCh38, chr4:125,451,453, plus strand): 5'-AGGACAGATCACCGTTACTGCAGAATTAGATCGAGAAACCCTTCCCATCTATAATCTCTC[A>G]GTTTTGGCTGTTGATTCAGGGACCCCCTCAGCTACAGGTAGTGCCTCTTTATTAGTCACC-3'
Protein context (NP_001278232.1, residues 3471-3491): DRETLPIYNL[Ser3481=]VLAVDSGTPS